The following is an entry in ClinVar:

NM_001903.5(CTNNA1):c.2055G>C (p.Ala685=)

Gene: CTNNA1 (catenin alpha 1; plus strand). Cytogenetic location: 5q31.2.
Variant type: single nucleotide variant.
Coding change: c.2055G>C on transcript NM_001903.5 (MANE Select); coding-DNA position 2055, G replaced by C.
Protein change: p.Ala685=; no amino-acid change (alanine 685 retained).
Molecular consequence: synonymous variant.
Genome position (GRCh38, 1-based): chr5:138,930,517, G>C. VCF-style: chr5-138930517-G-C. GRCh37 (hg19) VCF-style: chr5-138266206-G-C.
Other names: c.606G>C, p.Ala202= (NM_001324009.1, NM_001324010.1, NM_001324006.1 and 2 more transcripts); c.852G>C, p.Ala284= (NM_001324011.1); c.702G>C, p.Ala234= (NM_001324012.1, NM_001324013.1); c.945G>C, p.Ala315= (NM_001323999.1, NM_001324000.1, NM_001324001.1 and 17 more transcripts); c.2055G>C, p.Ala685= (NM_001290307.3, NM_001323982.2, NM_001323983.1 and 2 more transcripts); c.1746G>C, p.Ala582= (NM_001290309.3); c.1686G>C, p.Ala562= (NM_001290310.3); c.1962G>C, p.Ala654= (NM_001323986.2).
Identifiers: ClinVar variation 3773396 (VCV003773396.1).
Genomic context (GRCh38, chr5:138,930,517, plus strand): 5'-GTGCTTCTGATCACAGGCGATCATGGCTCAGCTTCCCCAGGAGCAAAAAGCGAAGATTGC[G>C]GAACAGGTGGCCAGCTTCCAGGAAGAAAAGAGCAAGCTGGATGCTGAAGTGTCCAAATGG-3'
Protein context (NP_001894.2, residues 675-695): QLPQEQKAKI[Ala685=]EQVASFQEEK

ClinVar aggregate classification (germline): Benign (1 of 4 stars; one submission).

Conditions:
Hereditary diffuse gastric adenocarcinoma (HDGC). Also called: DIFFUSE GASTRIC AND LOBULAR BREAST CANCER SYNDROME. Identifiers: Orphanet 26106, MedGen C1708349, MONDO:0007648, OMIM 137215.

Submission:

Myriad Genetics, Inc.
Classification: Benign for Hereditary diffuse gastric adenocarcinoma. Last evaluated: 2024-10-14. Review status: criteria provided, single submitter. Criteria: Myriad Autosomal Dominant, Autosomal Recessive and X-Linked Classification Criteria (2023). Collection method: clinical testing. Allele origin: unknown.
Comment: This variant is considered benign. This variant is a silent/synonymous amino acid change and it is not expected to impact splicing.